The following is an entry in ClinVar:

NM_000066.4(C8B):c.1730G>T (p.Gly577Val)

Gene: C8B (complement C8 beta chain; minus strand). Cytogenetic location: 1p32.2.
Variant type: single nucleotide variant.
Coding change: c.1730G>T on transcript NM_000066.4 (MANE Select); coding-DNA position 1730, G replaced by T.
Protein change: p.Gly577Val; replaces glycine 577 with valine.
Molecular consequence: missense variant.
Genome position (GRCh38, 1-based): chr1:56,929,450, C>A on the plus strand (G>T on the coding strand, the complement: C8B is on the minus strand). VCF-style: chr1-56929450-C-A. GRCh37 (hg19) VCF-style: chr1-57395123-C-A.
Other names: c.1574G>T, p.Gly525Val (NM_001278543.2); c.1544G>T, p.Gly515Val (NM_001278544.2); short protein forms G515V, G525V, G577V.
Identifiers: ClinVar variation 4730214 (VCV004730214.1).
Genomic context (GRCh38, chr1:56,929,450, plus strand): 5'-TGCTGTATCATCTGCTAGGAGCAGTCAAGTGTTTCTGAAGCAGGGCCTGAACAGGGGCTA[C>A]CCCCATTTTGAGGAGGTGGATTGTTACACTGCCTTTGTCTTGTCTTACGTCTTCCAGAGC-3'
Protein context (NP_000057.3, residues 567-587): QCNNPPPQNG[Gly577Val]SPCSGPASET

ClinVar aggregate classification (germline): Uncertain significance (1 of 4 stars; one submission).

Submission:

Labcorp Genetics (formerly Invitae), Labcorp
Classification: Uncertain significance. Last evaluated: 2025-10-29. Review status: criteria provided, single submitter. Criteria: Invitae Variant Classification Sherloc (09022015). Collection method: clinical testing. Allele origin: germline.
Comment: This sequence change replaces glycine, which is neutral and non-polar, with valine, which is neutral and non-polar, at codon 577 of the C8B protein (p.Gly577Val). This variant is not present in population databases (gnomAD no frequency). This variant has not been reported in the literature in individuals affected with C8B-related conditions. An algorithm developed to predict the effect of missense changes on protein structure and function (PolyPhen-2) suggests that this variant is likely to be disruptive. In summary, the available evidence is currently insufficient to determine the role of this variant in disease. Therefore, it has been classified as a Variant of Uncertain Significance.